The following is an entry in ClinVar:

ClinVar aggregate classification (germline): Uncertain significance. Review status: criteria provided, multiple submitters, no conflicts (2 of 4 stars). 2 submissions from 2 submitters: Uncertain significance (2). Last evaluated 2025-08-22.

Conditions:
Inborn genetic diseases. Identifiers: MedGen C0950123, MeSH D030342.

Allele frequency attached by ClinVar (database versions not stated): gnomAD exomes 0.00002 and 0.00003; ESP Exome Variant Server 0.00015; gnomAD 0.00001; ExAC 0.00002.
gnomAD v4.1: 40 of 1,613,436 alleles (0.0025%); highest among the groups gnomAD compares: Admixed American, 0.0067%; no homozygotes.

Submissions (2):

Ambry Genetics
Classification: Uncertain significance for Inborn genetic diseases. Last evaluated: 2025-08-22. Review status: criteria provided, single submitter. Criteria: Ambry Variant Classification Scheme 2023. Collection method: clinical testing. Allele origin: germline.

Labcorp Genetics (formerly Invitae), Labcorp
Classification: Uncertain significance. Last evaluated: 2022-04-08. Review status: criteria provided, single submitter. Criteria: Invitae Variant Classification Sherloc (09022015). Collection method: clinical testing. Allele origin: germline.
Comment: This sequence change replaces valine, which is neutral and non-polar, with isoleucine, which is neutral and non-polar, at codon 137 of the RXYLT1 protein (p.Val137Ile). This variant is present in population databases (rs138231365, gnomAD 0.009%). This variant has not been reported in the literature in individuals affected with RXYLT1-related conditions. Algorithms developed to predict the effect of missense changes on protein structure and function output the following: SIFT: "Tolerated"; PolyPhen-2: "Benign"; Align-GVGD: "Class C0". The isoleucine amino acid residue is found in multiple mammalian species, which suggests that this missense change does not adversely affect protein function. In summary, the available evidence is currently insufficient to determine the role of this variant in disease. Therefore, it has been classified as a Variant of Uncertain Significance.

NM_014254.3(RXYLT1):c.409G>A (p.Val137Ile)

Gene: RXYLT1 (ribitol xylosyltransferase 1; plus strand). Cytogenetic location: 12q14.2.
Variant type: single nucleotide variant.
Coding change: c.409G>A on transcript NM_014254.3 (MANE Select); coding-DNA position 409, G replaced by A.
Protein change: p.Val137Ile; replaces valine 137 with isoleucine.
Molecular consequence: missense variant. On other transcripts: 5 prime UTR variant (1).
Genome position (GRCh38, 1-based): chr12:63,785,053, G>A. VCF-style: chr12-63785053-G-A. GRCh37 (hg19) VCF-style: chr12-64178833-G-A.
Other names: c.-372G>A (NM_001278237.2); c.409G>A (NM_014254.1); short protein forms V137I.
Identifiers: ClinVar variation 1425391 (VCV001425391.4), dbSNP rs138231365, ClinGen allele CA6666093.